The following is an entry in ClinVar:

NM_173630.4(RTTN):c.6415G>T (p.Ala2139Ser)

Gene: RTTN (rotatin; minus strand). Cytogenetic location: 18q22.2.
Variant type: single nucleotide variant.
Coding change: c.6415G>T on transcript NM_173630.4 (MANE Select); coding-DNA position 6415, G replaced by T.
Protein change: p.Ala2139Ser; replaces alanine 2139 with serine.
Molecular consequence: missense variant.
Genome position (GRCh38, 1-based): chr18:70,017,413, C>A on the plus strand (G>T on the coding strand, the complement: RTTN is on the minus strand). VCF-style: chr18-70017413-C-A. GRCh37 (hg19) VCF-style: chr18-67684649-C-A.
Other names: c.3679G>T, p.Ala1227Ser (NM_001318520.2); short protein forms A1227S, A2139S.
Identifiers: ClinVar variation 1471245 (VCV001471245.8), dbSNP rs2145500874, ClinGen allele CA402682769.
Genomic context (GRCh38, chr18:70,017,413, plus strand): 5'-TGAACAGTCTATGAATAACTACATATATAAATGTATGTGTGTGTGAAAACTTACCATTAG[C>A]CAGGATCTTGGGTTTATTTGCAGGACTGAAGCAAACATTATGAAAGATAAGAAGAGGCAA-3'
Protein context (NP_775901.3, residues 2129-2149): FSPANKPKIL[Ala2139Ser]NEKVITVLAA

ClinVar aggregate classification (germline): Uncertain significance (1 of 4 stars; one submission).

Submission:

Labcorp Genetics (formerly Invitae), Labcorp
Classification: Uncertain significance. Last evaluated: 2025-03-31. Review status: criteria provided, single submitter. Criteria: Invitae Variant Classification Sherloc (09022015). Collection method: clinical testing. Allele origin: germline.
Comment: This sequence change replaces alanine, which is neutral and non-polar, with serine, which is neutral and polar, at codon 2139 of the RTTN protein (p.Ala2139Ser). This variant is not present in population databases (gnomAD no frequency). This variant has not been reported in the literature in individuals affected with RTTN-related conditions. ClinVar contains an entry for this variant (Variation ID: 1471245). Invitae Evidence Modeling of protein sequence and biophysical properties (such as structural, functional, and spatial information, amino acid conservation, physicochemical variation, residue mobility, and thermodynamic stability) indicates that this missense variant is not expected to disrupt RTTN protein function with a negative predictive value of 80%. In summary, the available evidence is currently insufficient to determine the role of this variant in disease. Therefore, it has been classified as a Variant of Uncertain Significance.